The following is an entry in ClinVar:

NM_001377.3(DYNC2H1):c.12410C>G (p.Pro4137Arg)

Gene: DYNC2H1 (dynein cytoplasmic 2 heavy chain 1; plus strand). Cytogenetic location: 11q22.3.
Variant type: single nucleotide variant.
Coding change: c.12410C>G on transcript NM_001377.3 (MANE Select); coding-DNA position 12410, C replaced by G.
Protein change: p.Pro4137Arg; replaces proline 4137 with arginine.
Molecular consequence: missense variant.
Genome position (GRCh38, 1-based): chr11:103,435,986, C>G. VCF-style: chr11-103435986-C-G. GRCh37 (hg19) VCF-style: chr11-103306714-C-G.
Other names: c.12431C>G, p.Pro4144Arg (NM_001080463.2); short protein forms P4144R, P4137R.
Identifiers: ClinVar variation 198962 (VCV000198962.26), dbSNP rs761765709, ClinGen allele CA247899.

ClinVar aggregate classification (germline): Conflicting classifications of pathogenicity. Review status: criteria provided, conflicting classifications (1 of 4 stars). 10 submissions from 10 submitters: Pathogenic (1); Likely pathogenic (3); Uncertain significance (4). 2 of the submissions do not count toward it. Last evaluated 2026-08-10.

Conditions:
DYNC2H1-related disorder. Also called: DYNC2H1-related condition; DYNC2H1-related disorders. Identifiers: MedGen CN378770.
Jeune thoracic dystrophy. Also called: Jeune syndrome; Short-rib thoracic dysplasia; Infantile thoracic dystrophy; Thoracic pelvic phalangeal dystrophy; Jeune's syndrome; Chondroectodermal dysplasia-like syndrome. Identifiers: Orphanet 474, MedGen C0265275, MONDO:0018770.
Asphyxiating thoracic dystrophy 3. Also called: POLYDACTYLY WITH NEONATAL CHONDRODYSTROPHY, TYPE I; SHORT-RIB THORACIC DYSPLASIA 3/6 WITH POLYDACTYLY, DIGENIC; Saldino-Noonan Syndrome; SHORT-RIB THORACIC DYSPLASIA 3 WITH OR WITHOUT POLYDACTYLY; Short rib polydactyly syndrome 2B. Identifiers: Orphanet 474, Orphanet 93269, Orphanet 93270, Orphanet 93271, MedGen C0036069, MONDO:0013127, OMIM 613091.

Allele frequency attached by ClinVar (database versions not stated): gnomAD 0.00003.
gnomAD v4.1: 50 of 1,612,468 alleles (0.0031%); highest among the groups gnomAD compares: Non-Finnish European, 0.004%; no homozygotes.

Submissions (10):

Myriad Genetics, Inc.
Classification: Uncertain significance for Asphyxiating thoracic dystrophy 3. Last evaluated: 2026-08-10. Review status: criteria provided, single submitter. Criteria: Myriad Autosomal Dominant, Autosomal Recessive and X-Linked Classification Criteria (2023). Collection method: clinical testing. Allele origin: unknown.
Comment: NM_001377.2(DYNC2H1):c.12410C>G(P4137R) is a missense variant classified as a variant of uncertain significance in the context of DYNC2H1-related disorders. P4137R has been observed in cases with relevant disease (PMID: 29068549, 30655312). Relevant functional assessments of this variant are not available in the literature. P4137R has been observed in referenced population frequency databases. In summary, there is insufficient evidence to classify NM_001377.2(DYNC2H1):c.12410C>G(P4137R) as pathogenic or benign. Please note: this variant was assessed in the context of healthy population screening.

Labcorp Genetics (formerly Invitae), Labcorp
Classification: Pathogenic for Jeune thoracic dystrophy. Last evaluated: 2025-10-06. Review status: criteria provided, single submitter. Criteria: Invitae Variant Classification Sherloc (09022015). Collection method: clinical testing. Allele origin: germline.
Comment: This sequence change replaces proline, which is neutral and non-polar, with arginine, which is basic and polar, at codon 4144 of the DYNC2H1 protein (p.Pro4144Arg). This variant is present in population databases (rs761765709, gnomAD 0.004%). This missense change has been observed in individual(s) with clinical features of asphyxiating thoracic dystrophy (PMID: 29068549, 30655312, 30773290). In at least one individual the data is consistent with being in trans (on the opposite chromosome) from a pathogenic variant. ClinVar contains an entry for this variant (Variation ID: 198962). Invitae Evidence Modeling of protein sequence and biophysical properties (such as structural, functional, and spatial information, amino acid conservation, physicochemical variation, residue mobility, and thermodynamic stability) indicates that this missense variant is expected to disrupt DYNC2H1 protein function with a positive predictive value of 95%. For these reasons, this variant has been classified as Pathogenic.

Women's Health and Genetics/Laboratory Corporation of America, LabCorp
Classification: Uncertain significance. Last evaluated: 2025-06-12. Review status: criteria provided, single submitter. Criteria: LabCorp Variant Classification Summary - May 2015. Collection method: clinical testing. Allele origin: germline.
Comment: Variant summary: DYNC2H1 c.12431C>G (p.Pro4144Arg) results in a non-conservative amino acid change located in the Dynein heavy chain, C-terminal domain (IPR041228) of the encoded protein sequence. Algorithms developed to predict the effect of missense changes on protein structure and function are either unavailable or do not agree on the potential impact of this missense change. The variant allele was found at a frequency of 8e-06 in 248572 control chromosomes.c.12431C>G has been observed in individuals affected with Short-rib thoracic dysplasia (Zhang_2018, Connaughton_2019, Mann_2019). These data indicate that the variant may be associated with disease. To our knowledge, no experimental evidence demonstrating an impact on protein function has been reported. The following publications have been ascertained in the context of this evaluation (PMID: 29068549, 30773290, 30655312). ClinVar contains an entry for this variant (Variation ID: 198962). Based on the evidence outlined above, the variant was classified as VUS-possibly pathogenic.

Fulgent Genetics
Classification: Likely pathogenic for Asphyxiating thoracic dystrophy 3. Last evaluated: 2024-04-06. Review status: criteria provided, single submitter. Criteria: ACMG Guidelines, 2015. Collection method: clinical testing. Allele origin: germline.

Blueprint Genetics
Classification: Likely pathogenic for DYNC2H1-related disorders. Last evaluated: 2024-03-28. Review status: criteria provided, single submitter. Criteria: ACMG Guidelines, 2015. Collection method: clinical testing. Allele origin: germline. Affected: yes. Observed: 3 variant alleles.

GeneDx
Classification: Likely pathogenic. Last evaluated: 2023-01-03. Review status: criteria provided, single submitter. Criteria: GeneDx Variant Classification Process June 2021. Collection method: clinical testing. Allele origin: germline. Affected: yes.
Comment: Not observed at a significant frequency in large population cohorts (gnomAD); In silico analysis supports that this missense variant has a deleterious effect on protein structure/function; This variant is associated with the following publications: (PMID: 29068549, 30773290, 30655312)

Illumina Laboratory Services, Illumina
Classification: Uncertain significance for Asphyxiating thoracic dystrophy 3. Last evaluated: 2018-01-13. Review status: criteria provided, single submitter. Criteria: ICSL Variant Classification Criteria 13 December 2019. Collection method: clinical testing. Allele origin: germline.

Eurofins Ntd Llc (ga)
Classification: Uncertain significance. Last evaluated: 2015-05-04. Review status: criteria provided, single submitter. Criteria: EGL Classification Definitions 2015. Collection method: clinical testing. Allele origin: germline.

Dan Cohn Lab, University Of California Los Angeles
Classification: Pathogenic for Asphyxiating thoracic dystrophy. Last evaluated: 2017-06-01. Review status: no assertion criteria provided. Collection method: research. Allele origin: paternal. Affected: yes. Not counted in ClinVar's aggregate classification.

University of Washington Center for Mendelian Genomics, University of Washington
Classification: Likely pathogenic for asphyxiating thoracic dystrophy. Review status: no assertion criteria provided. Collection method: research. Allele origin: inherited. Affected: yes. Not counted in ClinVar's aggregate classification.

Literature cited by the submitters: PubMed 29068549 (cited by 5 submitters); PubMed 30655312 (cited by 3 submitters); PubMed 30773290 (cited by Labcorp Genetics (formerly Invitae), Labcorp and Women's Health and Genetics/Laboratory Corporation of America, LabCorp).